The following is an entry in ClinVar:

ClinVar aggregate classification (germline): Pathogenic (1 of 4 stars; one submission).

Submission:

Labcorp Genetics (formerly Invitae), Labcorp
Classification: Pathogenic. Last evaluated: 2023-07-06. Review status: criteria provided, single submitter. Criteria: Invitae Variant Classification Sherloc (09022015). Collection method: clinical testing. Allele origin: germline.
Comment: Algorithms developed to predict the effect of sequence changes on RNA splicing suggest that this variant may create or strengthen a splice site. This variant has not been reported in the literature in individuals affected with ANO10-related conditions. This variant is not present in population databases (gnomAD no frequency). This sequence change creates a premature translational stop signal (p.Tyr331*) in the ANO10 gene. It is expected to result in an absent or disrupted protein product. Loss-of-function variants in ANO10 are known to be pathogenic (PMID: 25089919). For these reasons, this variant has been classified as Pathogenic.

Literature cited by the submitters: PubMed 25089919.

NM_018075.5(ANO10):c.993T>G (p.Tyr331Ter)

Gene: ANO10 (anoctamin 10; minus strand). Cytogenetic location: 3p22.1.
Variant type: single nucleotide variant.
Coding change: c.993T>G on transcript NM_018075.5 (MANE Select); coding-DNA position 993, T replaced by G.
Protein change: p.Tyr331Ter; replaces tyrosine 331 with a stop codon.
Molecular consequence: nonsense. On other transcripts: intron variant (1).
Genome position (GRCh38, 1-based): chr3:43,576,861, A>C on the plus strand (T>G on the coding strand, the complement: ANO10 is on the minus strand). VCF-style: chr3-43576861-A-C. GRCh37 (hg19) VCF-style: chr3-43618353-A-C.
Other names: c.993T>G, p.Tyr331Ter (NM_001204831.3, NM_001346463.2, NM_001346464.2 and 3 more transcripts); c.795T>G, p.Tyr265Ter (NM_001204832.3, NM_001346466.2, NM_001346469.2); c.660T>G, p.Tyr220Ter (NM_001204833.3); c.593-1997T>G (NM_001204834.3); short protein forms Y331*, Y220*, Y265*.
Identifiers: ClinVar variation 2835782 (VCV002835782.3), dbSNP rs2529370141, ClinGen allele CA352343424.
Genomic context (GRCh38, chr3:43,576,861, plus strand): 5'-CCCGCTGTTCTCATGTAGACCCAAGGCCCAAACCTCCATGTCGAAGTAAATCATCATGAC[A>C]TACAGTGAGAAATAGAGGCAGAGGCACACGAATGGCAGGGAGACCAGGTAAATGCGCAAC-3'